The following is an entry in ClinVar:

ClinVar aggregate classification (germline): Pathogenic (1 of 4 stars; one submission).

Submission:

Labcorp Genetics (formerly Invitae), Labcorp
Classification: Pathogenic. Last evaluated: 2021-01-25. Review status: criteria provided, single submitter. Criteria: Invitae Variant Classification Sherloc (09022015). Collection method: clinical testing. Allele origin: germline.
Comment: For these reasons, this variant has been classified as Pathogenic. Loss-of-function variants in BPTF are known to be pathogenic (PMID: 28942966). This variant has not been reported in the literature in individuals with BPTF-related conditions. This variant is not present in population databases (ExAC no frequency). This sequence change creates a premature translational stop signal (p.Ser1616Phefs*42) in the BPTF gene. It is expected to result in an absent or disrupted protein product.

Literature cited by the submitters: PubMed 28942966.

NM_182641.4(BPTF):c.4469del (p.Ser1490fs)

Gene: BPTF (bromodomain PHD finger transcription factor; plus strand). Cytogenetic location: 17q24.2.
Variant type: Deletion.
Coding change: c.4469del on transcript NM_182641.4 (MANE Select); coding-DNA position 4469, one base deleted (C; older notation c.4469delC).
Protein change: p.Ser1490fs; shifts the reading frame from serine 1490.
Molecular consequence: frameshift variant.
Genome position (GRCh38, 1-based): chr17:67,912,353, C deleted. VCF-style (leftmost placement, unchanged base first): chr17-67912352-TC-T. GRCh37 (hg19) VCF-style: chr17-65908468-TC-T.
Other names: c.4847del, p.Ser1616fs (NM_004459.7); short protein forms S1490fs, S1616fs.
Identifiers: ClinVar variation 1071837 (VCV001071837.7), dbSNP rs2146949591, ClinGen allele CA2499224861.